The following is an entry in ClinVar:

ClinVar aggregate classification (germline): Uncertain significance. Review status: criteria provided, multiple submitters, no conflicts (2 of 4 stars). 2 submissions from 2 submitters: Uncertain significance (2). Last evaluated 2025-12-22.

Conditions:
Disseminated atypical mycobacterial infection. Identifiers: MedGen C0694566.
IFNGR1-related disorder. Also called: IFNGR1-related condition.

Allele frequency attached by ClinVar (database versions not stated): gnomAD exomes 0.00001; ExAC 0.00002; gnomAD 0.00003 and 0.00004; TOPMed 0.00003; ESP Exome Variant Server 0.00008.
gnomAD v4.1: 22 of 1,613,972 alleles (0.0014%); highest among the groups gnomAD compares: African/African-American, 0.0027%; no homozygotes.

Submissions (2):

Labcorp Genetics (formerly Invitae), Labcorp
Classification: Uncertain significance for Disseminated atypical mycobacterial infection. Last evaluated: 2025-12-22. Review status: criteria provided, single submitter. Criteria: Invitae Variant Classification Sherloc (09022015). Collection method: clinical testing. Allele origin: germline.
Comment: This sequence change replaces lysine, which is basic and polar, with arginine, which is basic and polar, at codon 486 of the IFNGR1 protein (p.Lys486Arg). This variant is present in population databases (rs373493226, gnomAD 0.003%). This variant has not been reported in the literature in individuals affected with IFNGR1-related conditions. ClinVar contains an entry for this variant (Variation ID: 1410040). An algorithm developed to predict the effect of missense changes on protein structure and function outputs the following: PolyPhen-2: "Benign". The arginine amino acid residue is found in multiple mammalian species, which suggests that this missense change does not adversely affect protein function. In summary, the available evidence is currently insufficient to determine the role of this variant in disease. Therefore, it has been classified as a Variant of Uncertain Significance.

PreventionGenetics, part of Exact Sciences
Classification: Uncertain significance for IFNGR1-related condition. Last evaluated: 2025-05-13. Review status: criteria provided, single submitter. Criteria: ACMG Guidelines, 2015. Collection method: clinical testing. Allele origin: germline.
Comment: The IFNGR1 c.1457A>G variant is predicted to result in the amino acid substitution p.Lys486Arg. To our knowledge, this variant has not been reported in the literature. This variant is reported in 0.0033% of alleles in individuals of South Asian descent in gnomAD. At this time, the clinical significance of this variant is uncertain due to the absence of conclusive functional and genetic evidence.

NM_000416.3(IFNGR1):c.1457A>G (p.Lys486Arg)

Gene: IFNGR1 (interferon gamma receptor 1; minus strand). Cytogenetic location: 6q23.3.
Variant type: single nucleotide variant.
Coding change: c.1457A>G on transcript NM_000416.3 (MANE Select); coding-DNA position 1457, A replaced by G.
Protein change: p.Lys486Arg; replaces lysine 486 with arginine.
Molecular consequence: missense variant.
Genome position (GRCh38, 1-based): chr6:137,198,044, T>C on the plus strand (A>G on the coding strand, the complement: IFNGR1 is on the minus strand). VCF-style: chr6-137198044-T-C. GRCh37 (hg19) VCF-style: chr6-137519181-T-C.
Other names: c.1427A>G, p.Lys476Arg (NM_001363526.1); c.1334A>G, p.Lys445Arg (NM_001363527.1); c.1457A>G (NM_000416.2); short protein forms K486R, K445R, K476R.
Identifiers: ClinVar variation 1410040 (VCV001410040.7), dbSNP rs373493226, ClinGen allele CA4018746.
Genomic context (GRCh38, chr6:137,198,044, plus strand): 5'-ACTGTCCAGGAAAATCAGACTTCAAAGTTGGTGCAACTTAGCTGATCTCATGAAAATTCT[T>C]TGGAATCTTCTGTTGGTCTATAACCAATCAAGGACTCTTTACCGCTATCATCCACAAGTA-3'
Protein context (NP_000407.1, residues 476-489): LIGYRPTEDS[Lys486Arg]EFS